The following is an entry in ClinVar:

NM_015335.5(MED13L):c.2061G>T (p.Gln687His)

Gene: MED13L (mediator complex subunit 13L; minus strand). Cytogenetic location: 12q24.21.
Variant type: single nucleotide variant.
Coding change: c.2061G>T on transcript NM_015335.5 (MANE Select); coding-DNA position 2061, G replaced by T.
Protein change: p.Gln687His; replaces glutamine 687 with histidine.
Molecular consequence: missense variant.
Genome position (GRCh38, 1-based): chr12:116,007,588, C>A on the plus strand (G>T on the coding strand, the complement: MED13L is on the minus strand). VCF-style: chr12-116007588-C-A. GRCh37 (hg19) VCF-style: chr12-116445393-C-A.
Other names: short protein forms Q687H.
Identifiers: ClinVar variation 932131 (VCV000932131.4), dbSNP rs770538291, ClinGen allele CA386894660.

ClinVar aggregate classification (germline): Uncertain significance. Review status: criteria provided, multiple submitters, no conflicts (2 of 4 stars). 2 submissions from 2 submitters: Uncertain significance (2). Last evaluated 2024-10-03.

Conditions:
Cardiac anomalies - developmental delay - facial dysmorphism syndrome (MRFACD). Also called: MED13L Syndrome; Impaired intellectual development and distinctive facial features with or without cardiac defects. Identifiers: Orphanet 369891, MedGen C5192431, MONDO:0014773, OMIM 616789.

gnomAD v4.1: 1 of 1,574,002 alleles (0.000064%); highest among the groups gnomAD compares: Non-Finnish European, 0.000086%; no homozygotes.

Submissions (2):

Blueprint Genetics
Classification: Uncertain significance. Last evaluated: 2024-10-03. Review status: criteria provided, single submitter. Criteria: ACMG Guidelines, 2015. Collection method: clinical testing. Allele origin: germline.

Centre for Mendelian Genomics, University Medical Centre Ljubljana
Classification: Uncertain significance for Cardiac anomalies - developmental delay - facial dysmorphism syndrome. Last evaluated: 2019-07-09. Review status: criteria provided, single submitter. Criteria: ACMG Guidelines, 2015. Collection method: clinical testing. Allele origin: unknown. Affected: yes.
Comment: This variant was classified as: Uncertain significance. The available evidence on this variant's pathogenicity is insufficient or conflicting. The following ACMG criteria were applied in classifying this variant: PM2.